The following is an entry in ClinVar:

NM_000090.4(COL3A1):c.3093+3A>C

Gene: COL3A1 (collagen type III alpha 1 chain; plus strand). Cytogenetic location: 2q32.2.
Variant type: single nucleotide variant.
Coding change: c.3093+3A>C on transcript NM_000090.4 (MANE Select); 3 bases into the intron after coding-DNA position 3093, A replaced by C.
Molecular consequence: intron variant.
Genome position (GRCh38, 1-based): chr2:189,006,262, A>C. VCF-style: chr2-189006262-A-C. GRCh37 (hg19) VCF-style: chr2-189870988-A-C.
Identifiers: ClinVar variation 918968 (VCV000918968.16), dbSNP rs771429937, ClinGen allele CA075857.
Genomic context (GRCh38, chr2:189,006,262, plus strand): 5'-TCAGGGAAACCCTGGATCAGATGGTCTTCCAGGCCGAGATGGATCTCCTGGTGGCAAGGT[A>C]TAATAAACACATGTGCAATTGATTTGTGTTATCAAAATAAGTGATCATCATGTTTATTTT-3'

ClinVar aggregate classification (germline): Uncertain significance. Review status: criteria provided, multiple submitters, no conflicts (2 of 4 stars). 3 submissions from 3 submitters: Uncertain significance (3). Last evaluated 2023-12-18.

Conditions:
Ehlers-Danlos syndrome, type 4 (EDSVASC). Also called: Ehlers-Danlos Syndrome Type IV; Ehlers-Danlos syndrome vascular type; Ehlers Danlos syndrome, ecchymotic type; Ehlers Danlos syndrome, arterial type; Ehlers Danlos syndrome, Sack-Barabas type. Identifiers: Orphanet 286, MedGen C0268338, MONDO:0017314, OMIM 130050.
Familial thoracic aortic aneurysm and aortic dissection (TAAD). Also called: Thoracic aortic aneurysms and dissections. Identifiers: Orphanet 91387, MedGen C4707243, MONDO:0019625.

Allele frequency attached by ClinVar (database versions not stated): ExAC 0.00001.
gnomAD v4.1: 1 of 1,614,214 alleles (0.000062%); highest among the groups gnomAD compares: East Asian, 0.0022%; no homozygotes.

Submissions (3):

All of Us Research Program, National Institutes of Health
Classification: Uncertain significance for Ehlers-Danlos syndrome, type 4. Last evaluated: 2023-12-18. Review status: criteria provided, single submitter. Criteria: ACMG Guidelines, 2015. Collection method: clinical testing. Allele origin: germline. Inheritance: Autosomal dominant inheritance. Observed: 3 variant alleles, 3 heterozygotes.
Comment: This variant causes an A to C nucleotide substitution at the +3 position of intron 42 of the COL3A1 gene. Splice site prediction tools predict that this variant may have a significant impact on RNA splicing. To our knowledge, functional studies have not been reported for this variant. This variant has not been reported in individuals affected with cardiovascular disorders in the literature. This variant has been identified in 2/251402 chromosomes in the general population by the Genome Aggregation Database (gnomAD). The available evidence is insufficient to determine the role of this variant in disease conclusively. Therefore, this variant is classified as a Variant of Uncertain Significance.

This study involves interpretation of variants in research participants for the purpose of population health screening. Participant phenotype was not available at the time of variant classification. Additional details can be found in publication PMID: 35346344, PMCID: PMC8962531

Color Diagnostics, LLC DBA Color Health
Classification: Uncertain significance for Familial thoracic aortic aneurysm and aortic dissection. Last evaluated: 2023-11-28. Review status: criteria provided, single submitter. Criteria: ACMG Guidelines, 2015. Collection method: clinical testing. Allele origin: germline.
Comment: This variant causes an A to C nucleotide substitution at the +3 position of intron 42 of the COL3A1 gene. Splice site prediction tools predict that this variant may have a significant impact on RNA splicing. To our knowledge, functional studies have not been reported for this variant. This variant has not been reported in individuals affected with cardiovascular disorders in the literature. This variant has been identified in 2/251402 chromosomes in the general population by the Genome Aggregation Database (gnomAD). The available evidence is insufficient to determine the role of this variant in disease conclusively. Therefore, this variant is classified as a Variant of Uncertain Significance.

Labcorp Genetics (formerly Invitae), Labcorp
Classification: Uncertain significance for Ehlers-Danlos syndrome, type 4. Last evaluated: 2022-08-23. Review status: criteria provided, single submitter. Criteria: Invitae Variant Classification Sherloc (09022015). Collection method: clinical testing. Allele origin: germline.
Comment: In summary, the available evidence is currently insufficient to determine the role of this variant in disease. Therefore, it has been classified as a Variant of Uncertain Significance. Variants that disrupt the consensus splice site are a relatively common cause of aberrant splicing (PMID: 17576681, 9536098). Algorithms developed to predict the effect of sequence changes on RNA splicing suggest that this variant may disrupt the consensus splice site. ClinVar contains an entry for this variant (Variation ID: 918968). This variant has not been reported in the literature in individuals affected with COL3A1-related conditions. This variant is present in population databases (rs771429937, gnomAD 0.01%). This sequence change falls in intron 42 of the COL3A1 gene. It does not directly change the encoded amino acid sequence of the COL3A1 protein. It affects a nucleotide within the consensus splice site.

Literature cited by the submitters: PubMed 17576681 (cited by Labcorp Genetics (formerly Invitae), Labcorp); PubMed 9536098 (cited by Labcorp Genetics (formerly Invitae), Labcorp).